The following is an entry in ClinVar:

ClinVar aggregate classification (germline): Likely benign (1 of 4 stars; one submission).

Conditions:
Batten-Turner congenital myopathy. Also called: Congenital myotonia. Identifiers: Orphanet 206973, MedGen C0027127, MONDO:0100468, OMIM 255300.

Allele frequency attached by ClinVar (database versions not stated): 1000 Genomes Project 0.00020; TOPMed 0.00001; 1000 Genomes Project 30x 0.00016.
gnomAD v4.1: 65 of 1,612,206 alleles (0.004%); highest among the groups gnomAD compares: Middle Eastern, 0.022%; no homozygotes.

Submission:

Illumina Laboratory Services, Illumina
Classification: Likely benign for Myotonia congenita. Last evaluated: 2018-01-13. Review status: criteria provided, single submitter. Criteria: ICSL Variant Classification Criteria 13 December 2019. Collection method: clinical testing. Allele origin: germline.
Comment: This variant was observed in the ICSL laboratory as part of a predisposition screen in an ostensibly healthy population. It had not been previously curated by ICSL or reported in the Human Gene Mutation Database (HGMD: prior to June 1st, 2018), and was therefore a candidate for classification through an automated scoring system. Utilizing variant allele frequency, disease prevalence and penetrance estimates, and inheritance mode, an automated score was calculated to assess if this variant is too frequent to cause the disease. Based on the score and internal cut-off values, a variant classified as likely benign is not then subjected to further curation. The score for this variant resulted in a classification of likely benign for this disease.

NM_000083.3(CLCN1):c.*29C>T

Gene: CLCN1 (chloride voltage-gated channel 1; plus strand). Cytogenetic location: 7q34.
Variant type: single nucleotide variant.
Coding change: c.*29C>T on transcript NM_000083.3 (MANE Select); 29 bases downstream of the stop codon, C replaced by T.
Molecular consequence: 3 prime UTR variant. On other transcripts: non-coding transcript variant (1).
Genome position (GRCh38, 1-based): chr7:143,351,994, C>T. VCF-style: chr7-143351994-C-T. GRCh37 (hg19) VCF-style: chr7-143049087-C-T.
Identifiers: ClinVar variation 359130 (VCV000359130.5), dbSNP rs202172391, ClinGen allele CA4537832.